The following is an entry in ClinVar:

NM_005257.6(GATA6):c.647C>A (p.Ala216Glu)

Gene: GATA6 (GATA binding protein 6; plus strand). Cytogenetic location: 18q11.2.
Variant type: single nucleotide variant.
Coding change: c.647C>A on transcript NM_005257.6 (MANE Select); coding-DNA position 647, C replaced by A.
Protein change: p.Ala216Glu; replaces alanine 216 with glutamic acid.
Molecular consequence: missense variant.
Genome position (GRCh38, 1-based): chr18:22,171,791, C>A. VCF-style: chr18-22171791-C-A. GRCh37 (hg19) VCF-style: chr18-19751752-C-A.
Other names: short protein forms A216E.
Identifiers: ClinVar variation 4708867 (VCV004708867.1).
Genomic context (GRCh38, chr18:22,171,791, plus strand): 5'-CCATGCTGCCCGGCCTACCGTACCACCTGCAGGGGTCGGGCAGTGGGCCAGCCAACCACG[C>A]GGGCGGCGCGGGCGCGCACCCCGGCTGGCCTCAGGCCTCGGCCGACAGCCCTCCATACGG-3'
Protein context (NP_005248.2, residues 206-226): QGSGSGPANH[Ala216Glu]GGAGAHPGWP

ClinVar aggregate classification (germline): Uncertain significance (1 of 4 stars; one submission).

Conditions:
Atrioventricular septal defect 5 (AVSD5). Identifiers: MedGen C3280939, MONDO:0013769, OMIM 614474.

gnomAD v4.1: 2 of 1,304,502 alleles (0.00015%); highest among the groups gnomAD compares: African/African-American, 0.0031%; no homozygotes.

Submission:

Labcorp Genetics (formerly Invitae), Labcorp
Classification: Uncertain significance for Atrioventricular septal defect 5. Last evaluated: 2025-12-01. Review status: criteria provided, single submitter. Criteria: Invitae Variant Classification Sherloc (09022015). Collection method: clinical testing. Allele origin: germline.
Comment: This sequence change replaces alanine, which is neutral and non-polar, with glutamic acid, which is acidic and polar, at codon 216 of the GATA6 protein (p.Ala216Glu). This variant is not present in population databases (gnomAD no frequency). This variant has not been reported in the literature in individuals affected with GATA6-related conditions. An algorithm developed to predict the effect of missense changes on protein structure and function (PolyPhen-2) suggests that this variant is likely to be disruptive. In summary, the available evidence is currently insufficient to determine the role of this variant in disease. Therefore, it has been classified as a Variant of Uncertain Significance.